The following is an entry in ClinVar:

ClinVar aggregate classification (germline): Uncertain significance (1 of 4 stars; one submission).

Submission:

GeneDx
Classification: Uncertain significance. Last evaluated: 2017-03-31. Review status: criteria provided, single submitter. Criteria: GeneDx Variant Classification (06012015). Collection method: clinical testing. Allele origin: germline. Affected: yes.
Comment: The T1234I variant in the ANK2 gene has not been reported previously as a pathogenic variant, nor as a benign variant, to our knowledge. The T1234I variant is not observed in large population cohorts (Lek et al., 2016; 1000 Genomes Consortium et al., 2015; Exome Variant Server). The T1234I variant is a non-conservative amino acid substitution, which is likely to impact secondary protein structure as these residues differ in polarity, charge, size and/or other properties. This substitution occurs at a position that is conserved across species. In silico analysis predicts this variant is probably damaging to the protein structure/function. We interpret T1234I as a variant of uncertain significance.

NM_001148.6(ANK2):c.3701C>T (p.Thr1234Ile)

Gene: ANK2 (ankyrin 2; plus strand). Cytogenetic location: 4q26.
Variant type: single nucleotide variant.
Coding change: c.3701C>T on transcript NM_001148.6 (MANE Select); coding-DNA position 3701, C replaced by T.
Protein change: p.Thr1234Ile; replaces threonine 1234 with isoleucine.
Molecular consequence: missense variant.
Genome position (GRCh38, 1-based): chr4:113,336,686, C>T. VCF-style: chr4-113336686-C-T. GRCh37 (hg19) VCF-style: chr4-114257842-C-T.
Other names: c.3674C>T, p.Thr1225Ile (NM_001127493.3); c.3713C>T, p.Thr1238Ile (NM_001354225.2); c.3602C>T, p.Thr1201Ile (NM_001354228.2, NM_001354258.2); c.3680C>T, p.Thr1227Ile (NM_001354230.2); c.3743C>T, p.Thr1248Ile (NM_001354231.2, NM_001354242.2); c.3737C>T, p.Thr1246Ile (NM_001354232.2); c.3698C>T, p.Thr1233Ile (NM_001354235.2, NM_001354246.2, NM_001354265.2); c.3599C>T, p.Thr1200Ile (NM_001354236.2); and 31 more; short protein forms T1225I, T1234I, T1139I, T1159I, T1163I, T1212I, T1224I, T1227I.
Identifiers: ClinVar variation 426831 (VCV000426831.2), dbSNP rs777976430, ClinGen allele CA357938591.
Genomic context (GRCh38, chr4:113,336,686, plus strand): 5'-CTACCTTCAGCCCTATAGTCACTTTGGAACCTAGAAGAAGAAAATTCCACAAACCAATTA[C>T]CATGACCATTCCTGTCCCCAAAGCTTCAAGTGATGTCATGTTGAATGGTTTTGGGGGAGA-3'
Protein context (NP_001139.3, residues 1224-1244): PRRRKFHKPI[Thr1234Ile]MTIPVPKASS